The following is an entry in ClinVar:

ClinVar aggregate classification (germline): Uncertain significance (1 of 4 stars; one submission).

gnomAD v4.1: 1 of 1,611,078 alleles (0.000062%); highest among the groups gnomAD compares: Non-Finnish European, 0.000085%; no homozygotes.

Submission:

Labcorp Genetics (formerly Invitae), Labcorp
Classification: Uncertain significance. Last evaluated: 2024-12-23. Review status: criteria provided, single submitter. Criteria: Invitae Variant Classification Sherloc (09022015). Collection method: clinical testing. Allele origin: germline.
Comment: This sequence change replaces proline, which is neutral and non-polar, with threonine, which is neutral and polar, at codon 215 of the FBXO11 protein (p.Pro215Thr). This variant is not present in population databases (gnomAD no frequency). This variant has not been reported in the literature in individuals affected with FBXO11-related conditions. An algorithm developed to predict the effect of missense changes on protein structure and function (PolyPhen-2) suggests that this variant is likely to be tolerated. In summary, the available evidence is currently insufficient to determine the role of this variant in disease. Therefore, it has been classified as a Variant of Uncertain Significance.

NM_001190274.2(FBXO11):c.643C>A (p.Pro215Thr)

Gene: FBXO11 (F-box protein 11; minus strand). Cytogenetic location: 2p16.3.
Variant type: single nucleotide variant.
Coding change: c.643C>A on transcript NM_001190274.2 (MANE Select); coding-DNA position 643, C replaced by A.
Protein change: p.Pro215Thr; replaces proline 215 with threonine.
Molecular consequence: missense variant.
Genome position (GRCh38, 1-based): chr2:47,835,946, G>T on the plus strand (C>A on the coding strand, the complement: FBXO11 is on the minus strand). VCF-style: chr2-47835946-G-T. GRCh37 (hg19) VCF-style: chr2-48063085-G-T.
Other names: c.391C>A, p.Pro131Thr (NM_001374325.1, NM_025133.4); short protein forms P215T, P131T.
Identifiers: ClinVar variation 3727745 (VCV003727745.2).